The following is an entry in ClinVar:

ClinVar aggregate classification (germline): Likely benign (1 of 4 stars; one submission).

Allele frequency attached by ClinVar (database versions not stated): gnomAD 0.00166; gnomAD exomes 0.00236; ExAC 0.00294; 1000 Genomes Project 30x 0.00312; 1000 Genomes Project 0.00599.
gnomAD v4.1: 3,664 of 1,607,258 alleles (0.23%); highest among the groups gnomAD compares: South Asian, 0.68%; 69 homozygotes.

Submission:

CeGaT Center for Human Genetics Tuebingen
Classification: Likely benign. Last evaluated: 2026-05-01. Review status: criteria provided, single submitter. Criteria: CeGaT Center For Human Genetics Tuebingen Variant Classification Criteria Version 2. Collection method: clinical testing. Allele origin: germline. Affected: yes. Observed: 2 variant alleles.
Comment: TUBA3D: BP4, BP7, BS2

NM_080386.4(TUBA3D):c.849C>T (p.His283=)

Genes: MZT2A (mitotic spindle organizing protein 2A; minus strand), TUBA3D (tubulin alpha 3d; plus strand). Cytogenetic location: 2q21.1.
Variant type: single nucleotide variant.
Coding change: c.849C>T on transcript NM_080386.4 (MANE Select); coding-DNA position 849, C replaced by T.
Protein change: p.His283=; no amino-acid change (histidine 283 retained).
Molecular consequence: synonymous variant.
Genome position (GRCh38, 1-based): chr2:131,480,542, C>T. VCF-style: chr2-131480542-C-T. GRCh37 (hg19) VCF-style: chr2-132238115-C-T.
Identifiers: ClinVar variation 3024874 (VCV003024874.22), dbSNP rs137932380, ClinGen allele CA1878086.